The following is an entry in ClinVar:

NM_032242.4(PLXNA1):c.2139G>T (p.Thr713=)

Gene: PLXNA1 (plexin A1; plus strand). Cytogenetic location: 3q21.3.
Variant type: single nucleotide variant.
Coding change: c.2139G>T on transcript NM_032242.4 (MANE Select); coding-DNA position 2139, G replaced by T.
Protein change: p.Thr713=; no amino-acid change (threonine 713 retained).
Molecular consequence: synonymous variant.
Genome position (GRCh38, 1-based): chr3:127,011,984, G>T. VCF-style: chr3-127011984-G-T. GRCh37 (hg19) VCF-style: chr3-126730827-G-T.
Identifiers: ClinVar variation 3029549 (VCV003029549.2), dbSNP rs200969949, ClinGen allele CA83310009.

ClinVar aggregate classification (germline): Likely benign (0 of 4 stars; one submission).

Conditions:
PLXNA1-related disorder. Also called: PLXNA1-related condition.

gnomAD v4.1: 4 of 1,613,522 alleles (0.00025%); highest among the groups gnomAD compares: Non-Finnish European, 0.00034%; no homozygotes.

Submission:

PreventionGenetics, part of Exact Sciences
Classification: Likely benign for PLXNA1-related condition. Last evaluated: 2021-07-01. Review status: no assertion criteria provided. Collection method: clinical testing. Allele origin: germline.
Comment: This variant is classified as likely benign based on ACMG/AMP sequence variant interpretation guidelines (Richards et al. 2015 PMID: 25741868, with internal and published modifications).